The following is an entry in ClinVar:

ClinVar aggregate classification (germline): Conflicting classifications of pathogenicity. Review status: criteria provided, conflicting classifications (1 of 4 stars). 6 submissions from 6 submitters: Uncertain significance (4); Likely benign (2). Last evaluated 2025-12-29.

Conditions:
Hereditary cancer-predisposing syndrome. Also called: Neoplastic Syndromes, Hereditary; Tumor predisposition; Hereditary neoplastic syndrome; Hereditary Cancer Syndrome. Identifiers: Orphanet 140162, MedGen C0027672, MeSH D009386, MONDO:0015356.
Multiple endocrine neoplasia, type 1 (MEN1). Also called: MEN I; WERMER SYNDROME; Endocrine adenomatosis multiple; MEN 1; MEA I. Identifiers: Orphanet 652, MedGen C0025267, MeSH D018761, MONDO:0007540, OMIM 131100.

Allele frequency attached by ClinVar (database versions not stated): gnomAD exomes below 0.00001; TOPMed 0.00001.
gnomAD v4.1: 7 of 1,614,170 alleles (0.00043%); highest among the groups gnomAD compares: South Asian, 0.0044%; no homozygotes.

Submissions (6):

Labcorp Genetics (formerly Invitae), Labcorp
Classification: Likely benign for Multiple endocrine neoplasia, type 1. Last evaluated: 2025-12-29. Review status: criteria provided, single submitter. Criteria: Invitae Variant Classification Sherloc (09022015). Collection method: clinical testing. Allele origin: germline.

Ambry Genetics
Classification: Likely benign for Hereditary cancer-predisposing syndrome. Last evaluated: 2024-11-13. Review status: criteria provided, single submitter. Criteria: Ambry Variant Classification Scheme 2023. Collection method: clinical testing. Allele origin: germline.

Baylor Genetics
Classification: Uncertain significance for Multiple Endocrine Neoplasia Type 1. Last evaluated: 2024-03-27. Review status: criteria provided, single submitter. Criteria: ACMG Guidelines, 2015. Collection method: clinical testing. Allele origin: unknown.

Fulgent Genetics
Classification: Uncertain significance for Multiple endocrine neoplasia, type 1. Last evaluated: 2024-01-18. Review status: criteria provided, single submitter. Criteria: ACMG Guidelines, 2015. Collection method: clinical testing. Allele origin: germline.

All of Us Research Program, National Institutes of Health
Classification: Uncertain significance for Multiple endocrine neoplasia, type 1. Last evaluated: 2023-06-28. Review status: criteria provided, single submitter. Criteria: ACMG Guidelines, 2015. Collection method: clinical testing. Allele origin: germline. Inheritance: Autosomal dominant inheritance. Observed: 2 variant alleles, 2 heterozygotes.
Comment: This missense variant replaces arginine with histidine at codon 229 of the MEN1 protein. Computational prediction is inconclusive regarding the impact of this variant on protein structure and function (internally defined REVEL score threshold 0.5 < inconclusive < 0.7, PMID: 27666373). To our knowledge, functional studies have not been reported for this variant. This variant has been reported in an individual affected with acromegaly and multiple adrenal adenomas (PMID: 15717658). This variant has been identified in 1/251300 chromosomes in the general population by the Genome Aggregation Database (gnomAD). The available evidence is insufficient to determine the role of this variant in disease conclusively. Therefore, this variant is classified as a Variant of Uncertain Significance.

This study involves interpretation of variants in research participants for the purpose of population health screening. Participant phenotype was not available at the time of variant classification. Additional details can be found in publication PMID: 35346344, PMCID: PMC8962531

Women's Health and Genetics/Laboratory Corporation of America, LabCorp
Classification: Uncertain significance. Last evaluated: 2022-11-17. Review status: criteria provided, single submitter. Criteria: LabCorp Variant Classification Summary - May 2015. Collection method: clinical testing. Allele origin: germline.
Comment: Variant summary: MEN1 c.686G>A (p.Arg229His) results in a non-conservative amino acid change in the encoded protein sequence. Three of four in-silico tools predict a damaging effect of the variant on protein function. The variant allele was found at a frequency of 4e-06 in 251300 control chromosomes (gnomAD). The available data on variant occurrences in the general population are insufficient to allow any conclusion about variant significance. c.686G>A has been reported in the literature in an individual with atypical Multiple Endocrine Neoplasia Type 1, but it was also present in two siblings of this individual that did not show any clinical evidence of disease (Pinna_2004). This report does not provide unequivocal conclusions about association of the variant with Multiple Endocrine Neoplasia Type 1. To our knowledge, no experimental evidence demonstrating an impact on protein function has been reported. Two ClinVar submitters (evaluation after 2014) cite the variant as uncertain significance. Based on the evidence outlined above, the variant was classified as uncertain significance.

Literature cited by the submitters: PubMed 15717658 (cited by 3 submitters).

NM_001370259.2(MEN1):c.686G>A (p.Arg229His)

Gene: MEN1 (menin 1; minus strand). Cytogenetic location: 11q13.1.
Variant type: single nucleotide variant.
Coding change: c.686G>A on transcript NM_001370259.2 (MANE Select); coding-DNA position 686, G replaced by A.
Protein change: p.Arg229His; replaces arginine 229 with histidine.
Molecular consequence: missense variant.
Genome position (GRCh38, 1-based): chr11:64,807,649, C>T on the plus strand (G>A on the coding strand, the complement: MEN1 is on the minus strand). VCF-style: chr11-64807649-C-T. GRCh37 (hg19) VCF-style: chr11-64575121-C-T.
Other names: c.686G>A, p.Arg229His (NM_001370260.2, NM_001370261.2, NM_130799.3 and 1 more transcripts); c.581G>A, p.Arg194His (NM_001370262.2, NM_001370263.2); c.701G>A, p.Arg234His (NM_130800.3, NM_130801.3, NM_130802.3 and 3 more transcripts); short protein forms R229H, R234H, R194H.
Identifiers: ClinVar variation 241823 (VCV000241823.18), dbSNP rs878855197, ClinGen allele CA10582939.